The following is an entry in ClinVar:

NM_001114753.3(ENG):c.1554_1555del (p.Leu519fs)

Genes: ENG (endoglin; minus strand), LOC102723566 (uncharacterized LOC102723566; plus strand). Cytogenetic location: 9q34.11.
Variant type: Deletion.
Coding change: c.1554_1555del on transcript NM_001114753.3 (MANE Select); coding-DNA positions 1554 to 1555, 2 bases deleted (CC; older notation c.1554_1555delCC).
Protein change: p.Leu519fs; shifts the reading frame from leucine 519.
Molecular consequence: frameshift variant.
Genome position (GRCh38, 1-based): chr9:127,818,251-127,818,252, GG deleted on the plus strand (CC on the coding strand, the reverse complement: ENG is on the minus strand). VCF-style (leftmost placement, unchanged base first): chr9-127818250-AGG-A. GRCh37 (hg19) VCF-style: chr9-130580529-AGG-A.
Other names: c.1554_1555delCC, p.Leu519Alafs (NM_000118.4); c.1008_1009del, p.Leu337fs (NM_001278138.2); short protein forms L337fs, L519fs.
Identifiers: ClinVar variation 280020 (VCV000280020.11), dbSNP rs886041325, ClinGen allele CA10603021.

ClinVar aggregate classification (germline): Pathogenic. Review status: criteria provided, multiple submitters, no conflicts (2 of 4 stars). 3 submissions from 3 submitters: Pathogenic (3). Last evaluated 2022-06-24.

Conditions:
Cardiovascular phenotype. Identifiers: MedGen CN230736.
Hereditary hemorrhagic telangiectasia (HHT). Also called: ORW DISEASE; Osler Weber Rendu syndrome; OSLER-RENDU-WEBER DISEASE; Osler hemorrhagic telangiectasia syndrome. Identifiers: Orphanet 774, MedGen C0039445, MONDO:0019180. Disease mechanism: loss of function.

Submissions (3):

Labcorp Genetics (formerly Invitae), Labcorp
Classification: Pathogenic for Hereditary hemorrhagic telangiectasia. Last evaluated: 2022-06-24. Review status: criteria provided, single submitter. Criteria: Invitae Variant Classification Sherloc (09022015). Collection method: clinical testing. Allele origin: germline.
Comment: This sequence change creates a premature translational stop signal (p.Leu519Alafs*8) in the ENG gene. It is expected to result in an absent or disrupted protein product. Loss-of-function variants in ENG are known to be pathogenic (PMID: 15879500). This variant is not present in population databases (gnomAD no frequency). This premature translational stop signal has been observed in individual(s) with hereditary hemorrhagic telangiectasia (PMID: 16752392). ClinVar contains an entry for this variant (Variation ID: 280020). Algorithms developed to predict the effect of sequence changes on RNA splicing suggest that this variant may create or strengthen a splice site. For these reasons, this variant has been classified as Pathogenic.

Ambry Genetics
Classification: Pathogenic for Cardiovascular phenotype. Last evaluated: 2021-04-05. Review status: criteria provided, single submitter. Criteria: Ambry Variant Classification Scheme 2023. Collection method: clinical testing. Allele origin: germline.
Comment: The c.1554_1555delCC pathogenic mutation, located in coding exon 12 of the ENG gene, results from a deletion of two nucleotides at nucleotide positions 1554 to 1555, causing a translational frameshift with a predicted alternate stop codon (p.L519Afs*8). This mutation was identified in an individual who reportedly had epistaxis, telangiectasias, and a family history of hereditary hemorrhagic telangiectasia (HHT)(Bossler AD et al. Hum Mutat, 2006 Jul;27:667-75). This alteration is expected to result in loss of function by premature protein truncation or nonsense-mediated mRNA decay. As such, this alteration is interpreted as a disease-causing mutation.

GeneDx
Classification: Pathogenic. Last evaluated: 2017-12-04. Review status: criteria provided, single submitter. Criteria: GeneDx Variant Classification (06012015). Collection method: clinical testing. Allele origin: germline. Affected: yes.
Comment: The c.1554_1555delCC variant in the ENG gene was initially described by Bossler et al. (2006) in an individual with HHT who had features of epistaxis, telangiectasias, and a family history of HHT. The c.1554_1555delCC variant causes a shift in reading frame starting at codon Leucine 519, changing it to an Alanine, and creating a premature stop codon at position 8 of the new reading frame, denoted p.L519AfsX8. This pathogenic variant is expected to result in either an abnormal, truncated protein product or loss of protein from this allele through nonsense-mediated mRNA decay. Other frameshift variants in the ENG gene have been reported in HGMD in association with HHT (Stenson P et al., 2014). Furthermore, the c.1554_1555delCC variant was not observed in approximately 6,500 individuals of European and African American ancestry in the NHLBI Exome Sequencing Project, indicating it is not a common benign variant in these populations.

Literature cited by the submitters: PubMed 15879500 (cited by Labcorp Genetics (formerly Invitae), Labcorp); PubMed 16752392 (cited by Labcorp Genetics (formerly Invitae), Labcorp and Ambry Genetics).